The following is an entry in ClinVar:

ClinVar aggregate classification (germline): Uncertain significance (1 of 4 stars; one submission).

Conditions:
Familial cancer of breast. Also called: BREAST CANCER, FAMILIAL; Hereditary breast cancer; hereditary breast carcinoma. Identifiers: Orphanet 227535, MedGen C0346153, MONDO:0016419, OMIM 114480. Disease mechanism: loss of function.

Submission:

Labcorp Genetics (formerly Invitae), Labcorp
Classification: Uncertain significance for Familial cancer of breast. Last evaluated: 2021-06-26. Review status: criteria provided, single submitter. Criteria: Invitae Variant Classification Sherloc (09022015). Collection method: clinical testing. Allele origin: germline.
Comment: In summary, the available evidence is currently insufficient to determine the role of this variant in disease. Therefore, it has been classified as a Variant of Uncertain Significance. Algorithms developed to predict the effect of missense changes on protein structure and function are either unavailable or do not agree on the potential impact of this missense change (SIFT: "Deleterious"; PolyPhen-2: "Probably Damaging"; Align-GVGD: "Class C0"). This variant has not been reported in the literature in individuals with PALB2-related conditions. This variant is not present in population databases (ExAC no frequency). This sequence change replaces proline with histidine at codon 1088 of the PALB2 protein (p.Pro1088His). The proline residue is highly conserved and there is a moderate physicochemical difference between proline and histidine.

NM_024675.4(PALB2):c.3263C>A (p.Pro1088His)

Gene: PALB2 (partner and localizer of BRCA2; minus strand). Cytogenetic location: 16p12.2.
Variant type: single nucleotide variant.
Coding change: c.3263C>A on transcript NM_024675.4 (MANE Select); coding-DNA position 3263, C replaced by A.
Protein change: p.Pro1088His; replaces proline 1088 with histidine.
Molecular consequence: missense variant.
Genome position (GRCh38, 1-based): chr16:23,607,951, G>T on the plus strand (C>A on the coding strand, the complement: PALB2 is on the minus strand). VCF-style: chr16-23607951-G-T. GRCh37 (hg19) VCF-style: chr16-23619272-G-T.
Other names: short protein forms P1088H.
Identifiers: ClinVar variation 1363989 (VCV001363989.9), dbSNP rs1966509842, ClinGen allele CA395139750.